The following is an entry in ClinVar:

ClinVar aggregate classification (germline): Likely pathogenic (1 of 4 stars; one submission).

Conditions:
Mitochondrial myopathy-cerebellar ataxia-pigmentary retinopathy syndrome. Also called: MYOPATHY, MITOCHONDRIAL, AND ATAXIA. Identifiers: Orphanet 502423, MedGen C4540096, MONDO:0044714, OMIM 617675.

Submission:

Undiagnosed Diseases Network, NIH
Classification: Likely pathogenic for Mitochondrial myopathy-cerebellar ataxia-pigmentary retinopathy syndrome. Last evaluated: 2017-12-14. Review status: criteria provided, single submitter. Criteria: ACMG Guidelines, 2015. Collection method: clinical testing. Allele origin: maternal. Inheritance: Autosomal recessive inheritance. Affected: yes. Observed: 1 variant allele, 1 compound heterozygote.
Comment: The c.676C>T (p.Gln226Ter) variant in MSTO1 is a nonsense variant. This variant was identified as a compound heterozygote with c.971C>T (p.Thr324Ile). The variant is seen in 1 individual in gnomAD as a heterozygote.

NM_018116.4(MSTO1):c.676C>T (p.Gln226Ter)

Gene: MSTO1 (misato mitochondrial distribution and morphology regulator 1; plus strand). Cytogenetic location: 1q22.
Variant type: single nucleotide variant.
Coding change: c.676C>T on transcript NM_018116.4 (MANE Select); coding-DNA position 676, C replaced by T.
Protein change: p.Gln226Ter; replaces glutamine 226 with a stop codon.
Molecular consequence: nonsense. On other transcripts: non-coding transcript variant (6).
Genome position (GRCh38, 1-based): chr1:155,612,098, C>T. VCF-style: chr1-155612098-C-T. GRCh37 (hg19) VCF-style: chr1-155581889-C-T.
Other names: c.676C>T, p.Gln226Ter (NM_001256532.1, NM_001256533.1, NM_001350772.1 and 3 more transcripts); c.511C>T, p.Gln171Ter (NM_001350776.1); c.145C>T, p.Gln49Ter (NM_001350777.1, NM_001350778.1, NM_001350779.1); c.142C>T, p.Gln48Ter (NM_001350780.1, NM_001350781.1, NM_001350782.1 and 3 more transcripts); c.133C>T, p.Gln45Ter (NM_001350784.1, NM_001350785.1, NM_001350787.1 and 1 more transcripts); short protein forms Q226*, Q45*, Q48*, Q49*, Q171*.
Identifiers: ClinVar variation 522862 (VCV000522862.3), dbSNP rs1208636573, ClinGen allele CA342757962.